The following is an entry in ClinVar:

ClinVar aggregate classification (germline): Uncertain significance (1 of 4 stars; one submission).

Conditions:
Long QT syndrome (LQTS). Identifiers: MedGen C0023976, MeSH D008133, MONDO:0002442. Disease mechanism: loss of function. Inheritance: Various modes of inheritance.

Submission:

All of Us Research Program, National Institutes of Health
Classification: Uncertain significance for Long QT syndrome. Last evaluated: 2023-03-07. Review status: criteria provided, single submitter. Criteria: ACMG Guidelines, 2015. Collection method: clinical testing. Allele origin: germline. Inheritance: Autosomal dominant inheritance. Observed: 1 variant allele, 1 heterozygote.
Comment: This missense variant replaces leucine with proline at codon 955 of the KCNH2 protein. Computational prediction is inconclusive regarding the impact of this variant on protein structure and function (internally defined REVEL score threshold 0.5 < inconclusive < 0.7, PMID: 27666373). To our knowledge, functional studies have not been reported for this variant. This variant has been reported in an individual suspected of having epilepsy (PMID: 31696929). This variant has not been identified in the general population by the Genome Aggregation Database (gnomAD). The available evidence is insufficient to determine the role of this variant in disease conclusively. Therefore, this variant is classified as a Variant of Uncertain Significance.

This study involves interpretation of variants in research participants for the purpose of population health screening. Participant phenotype was not available at the time of variant classification. Additional details can be found in publication PMID: 35346344, PMCID: PMC8962531

Literature cited by the submitters: PubMed 31696929.

NM_000238.4(KCNH2):c.2864T>C (p.Leu955Pro)

Gene: KCNH2 (potassium voltage-gated channel subfamily H member 2; minus strand). Cytogenetic location: 7q36.1.
Variant type: single nucleotide variant.
Coding change: c.2864T>C on transcript NM_000238.4 (MANE Select); coding-DNA position 2864, T replaced by C.
Protein change: p.Leu955Pro; replaces leucine 955 with proline.
Molecular consequence: missense variant.
Genome position (GRCh38, 1-based): chr7:150,947,707, A>G on the plus strand (T>C on the coding strand, the complement: KCNH2 is on the minus strand). VCF-style: chr7-150947707-A-G. GRCh37 (hg19) VCF-style: chr7-150644795-A-G.
Other names: c.2576T>C, p.Leu859Pro (NM_001406753.1); c.1844T>C, p.Leu615Pro (NM_172057.3); short protein forms L615P, L859P, L955P.
Identifiers: ClinVar variation 3069774 (VCV003069774.1), dbSNP rs2486007167, ClinGen allele CA369853244.